The following is an entry in ClinVar:

ClinVar aggregate classification (germline): Uncertain significance. Review status: criteria provided, multiple submitters, no conflicts (2 of 4 stars). 2 submissions from 2 submitters: Uncertain significance (2). Last evaluated 2025-06-07.

Allele frequency attached by ClinVar (database versions not stated): gnomAD 0.00002; 1000 Genomes Project 0.00040; ExAC 0.00022; 1000 Genomes Project 30x 0.00031.
gnomAD v4.1: 147 of 1,614,052 alleles (0.0091%); highest among the groups gnomAD compares: South Asian, 0.15%; 2 homozygotes.

Submissions (2):

Mayo Clinic Laboratories, Mayo Clinic
Classification: Uncertain significance. Last evaluated: 2025-06-07. Review status: criteria provided, single submitter. Criteria: ACMG Guidelines, 2015. Collection method: clinical testing. Allele origin: germline. Observed: 1 variant allele.
Comment: BP4_moderate

Ambry Genetics
Classification: Uncertain significance. Last evaluated: 2021-12-06. Review status: criteria provided, single submitter. Criteria: Ambry Variant Classification Scheme 2023. Collection method: clinical testing. Allele origin: germline.

NM_007098.4(CLTCL1):c.3181A>G (p.Ser1061Gly)

Gene: CLTCL1 (clathrin heavy chain like 1; minus strand). Cytogenetic location: 22q11.21.
Variant type: single nucleotide variant.
Coding change: c.3181A>G on transcript NM_007098.4 (MANE Select); coding-DNA position 3181, A replaced by G.
Protein change: p.Ser1061Gly; replaces serine 1061 with glycine.
Molecular consequence: missense variant.
Genome position (GRCh38, 1-based): chr22:19,210,394, T>C on the plus strand (A>G on the coding strand, the complement: CLTCL1 is on the minus strand). VCF-style: chr22-19210394-T-C. GRCh37 (hg19) VCF-style: chr22-19197904-T-C.
Other names: p.Ser1061Gly; c.3181A>G, p.Ser1061Gly (NM_001835.4); short protein forms S1061G.
Identifiers: ClinVar variation 2241801 (VCV002241801.3), dbSNP rs563873320, ClinGen allele CA10098169.